The following is an entry in ClinVar:

NM_000540.3(RYR1):c.4405C>T (p.Arg1469Trp)

Gene: RYR1 (ryanodine receptor 1; plus strand). Cytogenetic location: 19q13.2.
Variant type: single nucleotide variant.
Coding change: c.4405C>T on transcript NM_000540.3 (MANE Select); coding-DNA position 4405, C replaced by T.
Protein change: p.Arg1469Trp; replaces arginine 1469 with tryptophan.
Molecular consequence: missense variant.
Genome position (GRCh38, 1-based): chr19:38,477,821, C>T. VCF-style: chr19-38477821-C-T. GRCh37 (hg19) VCF-style: chr19-38968461-C-T.
Other names: p.Arg1469Trp; c.4405C>T, p.Arg1469Trp (NM_001042723.2); short protein forms R1469W.
Identifiers: ClinVar variation 161372 (VCV000161372.88), dbSNP rs200546266, ClinGen allele CA024441.

ClinVar aggregate classification (germline): Conflicting classifications of pathogenicity. Review status: criteria provided, conflicting classifications (1 of 4 stars). 22 submissions from 22 submitters: Pathogenic (5); Likely pathogenic (10); Uncertain significance (3). 4 of the submissions do not count toward it. Last evaluated 2026-09-02.

Conditions:
RYR1-related disorder. Also called: RYR1-related disorders; RYR1-related condition. Identifiers: MedGen CN239331.
Neuromuscular disease. Also called: Neuromuscular disorder; Neuromyopathy. Identifiers: Orphanet 68381, MedGen C0027868, MeSH D009468, MONDO:0019056.
Congenital myopathy. Identifiers: Orphanet 97245, MedGen C0270960, MONDO:0019952.
King Denborough syndrome (KDS). Identifiers: MedGen C1840365, MONDO:0020485, OMIM 619542.
Congenital multicore myopathy with external ophthalmoplegia (CMYO1B). Also called: MULTICORE MYOPATHY; Minicore myopathy with external ophthalmoplegia; Congenital myopathy 1B, autosomal recessive; MULTIMINICORE DISEASE WITH EXTERNAL OPHTHALMOPLEGIA; Minicore myopathy. Identifiers: Orphanet 598, Orphanet 98905, MedGen C1850674, MONDO:0009712, OMIM 255320, HP:0003789.
Malignant hyperthermia, susceptibility to, 1 (MHS1). Also called: Anesthesia related hyperthermia; Malignant hyperpyrexia; Fulminating hyperpyrexia; Pharmacogenic myopathy; RYR1-Related Malignant Hyperthermia Susceptibility; Malignant hyperthermia suceptibility 1. Identifiers: Orphanet 423, MedGen C2930980, MONDO:0007783, OMIM 145600.
Central core myopathy (CMYO1A). Also called: CONGENITAL MYOPATHY 1A, AUTOSOMAL DOMINANT, WITH SUSCEPTIBILITY TO MALIGNANT HYPERTHERMIA; Central core disease; Myopathy, central fibrillar. Identifiers: Orphanet 597, MedGen C5830701, MONDO:0007294, OMIM 117000.
Congenital myopathy with fiber type disproportion. Also called: Congenital fiber-type disproportion myopathy; Congenital fiber-type disproportion. Identifiers: Orphanet 2020, MedGen C0546264, MONDO:0009711. Inheritance: all.
Fetal akinesia deformation sequence 1 (FADS1). Also called: Pena-Shokeir syndrome type I; Fetal akinesia sequence. Identifiers: Orphanet 994, MedGen C1276035, MONDO:0100101, OMIM 208150, HP:0001989.
Arthrogryposis multiplex congenita (AMC). Also called: Guérin-Stern syndrome; Congenital multiple arthrogryposis; Fibrous ankylosis of multiple joints; Congenital arthromyodysplasia; Myodystrophia fetalis deformans; Otto syndrome. Identifiers: Orphanet 1037, MedGen C5779613, MeSH D001176, MONDO:0015168, HP:0002804.

Allele frequency attached by ClinVar (database versions not stated): ESP Exome Variant Server 0.00008; gnomAD 0.00010 and 0.00011; TOPMed 0.00011; ExAC 0.00014; 1000 Genomes Project 30x 0.00016; 1000 Genomes Project 0.00020.

Submissions 1 to 7 of 22:

GeneDx
Classification: Pathogenic. Last evaluated: 2026-09-02. Review status: criteria provided, single submitter. Criteria: GeneDx Variant Classification Process June 2021. Collection method: clinical testing. Allele origin: germline.
Comment: Identified as heterozygous in individuals with possible susceptibility to malignant hyperthermia based on IVCT testing; however, these individuals also carried additional variants in RYR1 and detailed clinical and segregation information was not provided (PMID: 25735680, 25658027); In silico analysis supports that this missense variant has a deleterious effect on protein structure/function; This variant is associated with the following publications: (PMID: 25637381, 26332594, 31407473, 30652412, 34463354, 27452334, 31680123, 20839240, 37937776, 38127101, 36939041, 25735680, 25658027)

Labcorp Genetics (formerly Invitae), Labcorp
Classification: Pathogenic for RYR1-related disorder. Last evaluated: 2026-01-26. Review status: criteria provided, single submitter. Criteria: Invitae Variant Classification Sherloc (09022015). Collection method: clinical testing. Allele origin: germline.
Comment: This sequence change replaces arginine, which is basic and polar, with tryptophan, which is neutral and slightly polar, at codon 1469 of the RYR1 protein (p.Arg1469Trp). This variant is present in population databases (rs200546266, gnomAD 0.03%). This missense change has been observed in individual(s) with clinical features of autosomal recessive congenital myopathy (PMID: 20839240, 21911697, 30652412, 31407473; internal data). In at least one individual the data is consistent with being in trans (on the opposite chromosome) from a pathogenic variant. This variant has been reported in individual(s) with autosomal dominant malignant hyperthermia susceptibility (PMID: 25658027, 25735680); however, the role of the variant in this condition is currently unclear. ClinVar contains an entry for this variant (Variation ID: 161372). Invitae Evidence Modeling of protein sequence and biophysical properties (such as structural, functional, and spatial information, amino acid conservation, physicochemical variation, residue mobility, and thermodynamic stability) has been performed for this missense variant. However, the output from this modeling did not meet the statistical confidence thresholds required to predict the impact of this variant on RYR1 protein function. For these reasons, this variant has been classified as Pathogenic.

Rady Children's Institute for Genomic Medicine, Rady Children's Hospital San Diego
Classification: Likely pathogenic for RYR1-related disorders. Last evaluated: 2025-07-15. Review status: criteria provided, single submitter. Criteria: ACMG Guidelines, 2015. Collection method: clinical testing. Allele origin: germline. Affected: yes.
Comment: The variant affects a highly conserved amino acid and is predicted by multiple in silico tools to have a deleterious effect on protein function. The c.4405C>T (p.Arg1469Trp) variant has been previously reported in patients with clinical features of autosomal recessive RYR1-related myopathies (PMID: 21911697, 23394784, 30652412, 31407473, 20839240, 34463354, 31680123). This variant has also been reported in individuals with susceptibility to malignant hyperthermia (PMID: 25658027, 25735680); however, the role of the variant in this condition is currently unclear. The c.4405C>T (p.Arg1469Trp) variant is present in the latest version of the gnomAD population database at an allele frequency of 0.02% (299/1410288), and is absent in the homozygous state. Based on the available evidence, c.4405C>T (p.Arg1469Trp) is classified as Likely Pathogenic.

Women's Health and Genetics/Laboratory Corporation of America, LabCorp
Classification: Pathogenic for Congenital multicore myopathy with external ophthalmoplegia. Last evaluated: 2025-05-21. Review status: criteria provided, single submitter. Criteria: LabCorp Variant Classification Summary - May 2015. Collection method: clinical testing. Allele origin: germline.
Comment: Variant summary: RYR1 c.4405C>T (p.Arg1469Trp) results in a non-conservative amino acid change located in the B30.2/SPRY domain (IPR001870) of the encoded protein sequence. Algorithms developed to predict the effect of missense changes on protein structure and function are either unavailable or do not agree on the potential impact of this missense change. The variant allele was found at a frequency of 0.00014 in 251126 control chromosomes. This frequency is not significantly higher than estimated for a pathogenic variant in RYR1 causing Congenital multicore myopathy with external ophthalmoplegia (0.00014 vs 0.0011), allowing no conclusion about variant significance. c.4405C>T has been reported in the literature in at-least four individuals affected with Autosomal Recessive RYR1-related diseases, inclcuding AR minicore myopathy (Krenn_2020, Krenn_2024, Klein_2011, LCG internal data), AR Fetal Akinesia/decreased fetal movement (Pergrande_2020), features of congenital myopathy-1B (Meng_2023) and AR hypotonia with increased fiber size variation (central core type I fiber predominance) (Dosi_2023). These data indicate that the variant is very likely to be associated with AR RYR1-related diseases. The variant also has been reported in the literature as isolated cases in a variety of AD conditions, including RYR1-related Congenital Myopathy with Central Nuclei (Wilmhurst_2010) or congenital fiber-type disproportion (Pinto_2022), Centronuclear myopathy (CNM) (Reumers_2021), pulmonary hypoplasia and AMC (Pergrande_2020, Alkhunaizi_2019), and susceptibility to Malignant Hyperthermia/Rhabdomyolysis (Gillies_2015, Fiszer_2015, Kruijt_2021). The reported assertions were mostly VUS in settings of central core myopathy and Rhabdomyolysis susceptibility (Reumers_2021, Kruijt_2021, Gillies_2015, Fiszer_2015). Thus the evidence for pathogenicity in AD RYR1-related disease was not established. To our knowledge, no experimental evidence demonstrating an impact on protein function has been reported. The following publications have been ascertained in the context of this evaluation (PMID: 30652412, 36833224, 25658027, 25735680, 21911697, 38127101, 31407473, 32978841, 36939041, 31680123, 35548885, 34463354, 20839240). ClinVar contains an entry for this variant (Variation ID: 161372). Based on the evidence outlined above, the variant was classified as pathogenic.

PreventionGenetics, part of Exact Sciences
Classification: Likely pathogenic for RYR1-related condition. Last evaluated: 2025-04-17. Review status: criteria provided, single submitter. Criteria: ACMG Guidelines, 2015. Collection method: clinical testing. Allele origin: germline.
Comment: The RYR1 c.4405C>T variant is predicted to result in the amino acid substitution p.Arg1469Trp. This variant was reported in two siblings that also had a truncating RYR1 variant and was presumably causative for a recessive RYR1 congenital myopathy (Wilmshurst et al. 2010. PubMed ID: 20839240). In another congenital myopathy patient, the c.4405C>T was found on the opposite allele as a pathogenic splice variant (Klein et al. 2012. PubMed ID: 22473935). This variant has also been reported in patients with malignant hyperthermia susceptibility; however, the evidence for pathogenicity was not established with segregation or functional evidence (Fiszer et al. 2015. PubMed ID: 25658027; Gillies et al. 2015. PubMed ID: 25735680). We have also observed this variant in the compound heterozygous state at PreventionGenetics in two other patients with congenital myopathy. This variant is reported in 0.028% of alleles in individuals of European (Non-Finnish) descent in gnomAD. In summary, this variant is categorized as likely pathogenic for autosomal recessive RYR1-related myopathy; however, it is uncertain if this variant would result in autosomal dominant RYR1-related disorders.

Revvity Omics, Revvity
Classification: Likely pathogenic. Last evaluated: 2024-11-20. Review status: criteria provided, single submitter. Criteria: ACMG Guidelines, 2015. Collection method: clinical testing. Allele origin: germline.

Mayo Clinic Laboratories, Mayo Clinic
Classification: Pathogenic. Last evaluated: 2024-08-28. Review status: criteria provided, single submitter. Criteria: ACMG Guidelines, 2015. Collection method: clinical testing. Allele origin: germline. Observed: 1 variant allele.
Comment: PP3, PM3_strong, PS4